The following is an entry in ClinVar:

NM_004369.4(COL6A3):c.3806C>T (p.Thr1269Ile)

Gene: COL6A3 (collagen type VI alpha 3 chain; minus strand). Cytogenetic location: 2q37.3.
Variant type: single nucleotide variant.
Coding change: c.3806C>T on transcript NM_004369.4 (MANE Select); coding-DNA position 3806, C replaced by T.
Protein change: p.Thr1269Ile; replaces threonine 1269 with isoleucine.
Molecular consequence: missense variant.
Genome position (GRCh38, 1-based): chr2:237,372,211, G>A on the plus strand (C>T on the coding strand, the complement: COL6A3 is on the minus strand). VCF-style: chr2-237372211-G-A. GRCh37 (hg19) VCF-style: chr2-238280854-G-A.
Other names: c.2585C>T, p.Thr862Ile (NM_057164.5); c.3188C>T, p.Thr1063Ile (NM_057165.5, NM_057167.4); c.1985C>T, p.Thr662Ile (NM_057166.5); short protein forms T1269I, T1063I, T662I, T862I.
Identifiers: ClinVar variation 424061 (VCV000424061.4), dbSNP rs1064796775, ClinGen allele CA16617503.

ClinVar aggregate classification (germline): Uncertain significance. Review status: criteria provided, multiple submitters, no conflicts (2 of 4 stars). 2 submissions from 2 submitters: Uncertain significance (2). Last evaluated 2024-09-29.

Conditions:
Bethlem myopathy 1A. Also called: Bethlem myopathy 1; MYOPATHY, BENIGN CONGENITAL, WITH CONTRACTURES; Bethlem Muscular Dystrophy. Identifiers: Orphanet 610, MedGen CN029274, MONDO:0024530, OMIM 158810.

Allele frequency attached by ClinVar (database versions not stated): TOPMed below 0.00001.
gnomAD v4.1: 1 of 1,614,094 alleles (0.000062%); highest among the groups gnomAD compares: Non-Finnish European, 0.000085%; no homozygotes.

Submissions (2):

Labcorp Genetics (formerly Invitae), Labcorp
Classification: Uncertain significance for Bethlem myopathy 1A. Last evaluated: 2024-09-29. Review status: criteria provided, single submitter. Criteria: Invitae Variant Classification Sherloc (09022015). Collection method: clinical testing. Allele origin: germline.
Comment: This sequence change replaces threonine, which is neutral and polar, with isoleucine, which is neutral and non-polar, at codon 1269 of the COL6A3 protein (p.Thr1269Ile). This variant is not present in population databases (gnomAD no frequency). This variant has not been reported in the literature in individuals affected with COL6A3-related conditions. ClinVar contains an entry for this variant (Variation ID: 424061). Invitae Evidence Modeling of protein sequence and biophysical properties (such as structural, functional, and spatial information, amino acid conservation, physicochemical variation, residue mobility, and thermodynamic stability) indicates that this missense variant is expected to disrupt COL6A3 protein function with a positive predictive value of 80%. In summary, the available evidence is currently insufficient to determine the role of this variant in disease. Therefore, it has been classified as a Variant of Uncertain Significance.

GeneDx
Classification: Uncertain significance. Last evaluated: 2017-03-03. Review status: criteria provided, single submitter. Criteria: GeneDx Variant Classification (06012015). Collection method: clinical testing. Allele origin: germline. Affected: yes.
Comment: The T1269I variant in the COL6A3 gene has not been reported previously as a pathogenic variant, nor as a benign variant, to our knowledge. The T1269I variant is not observed in large population cohorts (Lek et al., 2016; 1000 Genomes Consortium et al., 2015; Exome Variant Server). The T1269I variant is a non-conservative amino acid substitution, which is likely to impact secondary protein structure as these residues differ in polarity, charge, size and/or other properties. This substitution occurs at a position that is conserved in mammals. In silico analysis is inconsistent in its predictions as to whether or not the variant is damaging to the protein structure/function. We interpret T1269I as a variant of uncertain significance.